The following is an entry in ClinVar:

NM_004304.5(ALK):c.3156C>A (p.Phe1052Leu)

Gene: ALK (ALK receptor tyrosine kinase; minus strand). Cytogenetic location: 2p23.2.
Variant type: single nucleotide variant.
Coding change: c.3156C>A on transcript NM_004304.5 (MANE Select); coding-DNA position 3156, C replaced by A.
Protein change: p.Phe1052Leu; replaces phenylalanine 1052 with leucine.
Molecular consequence: missense variant.
Genome position (GRCh38, 1-based): chr2:29,225,477, G>T on the plus strand (C>A on the coding strand, the complement: ALK is on the minus strand). VCF-style: chr2-29225477-G-T. GRCh37 (hg19) VCF-style: chr2-29448343-G-T.
Other names: short protein forms F1052L.
Identifiers: ClinVar variation 4040987 (VCV004040987.1).

ClinVar aggregate classification (germline): Uncertain significance (1 of 4 stars; one submission).

Conditions:
Hereditary cancer-predisposing syndrome. Also called: Neoplastic Syndromes, Hereditary; Tumor predisposition; Hereditary neoplastic syndrome; Hereditary Cancer Syndrome. Identifiers: Orphanet 140162, MedGen C0027672, MeSH D009386, MONDO:0015356.

Submission:

Ambry Genetics
Classification: Uncertain significance for Hereditary cancer-predisposing syndrome. Last evaluated: 2025-05-19. Review status: criteria provided, single submitter. Criteria: Ambry Variant Classification Scheme 2023. Collection method: clinical testing. Allele origin: germline.
Comment: The p.F1052L variant (also known as c.3156C>A), located in coding exon 19 of the ALK gene, results from a C to A substitution at nucleotide position 3156. The phenylalanine at codon 1052 is replaced by leucine, an amino acid with highly similar properties. This amino acid position is conserved. In addition, the in silico prediction for this alteration is inconclusive. Based on the available evidence, the clinical significance of this variant remains unclear.